The following is an entry in ClinVar:

ClinVar aggregate classification (germline): Pathogenic (1 of 4 stars; one submission).

Conditions:
Cohen syndrome (COH1). Also called: Cutis verticis gyrata, retinitis pigmentosa, and sensorineural deafness; PEPPER SYNDROME. Identifiers: Orphanet 193, MedGen C0265223, MONDO:0008999, OMIM 216550.

Allele frequency attached by ClinVar (database versions not stated): gnomAD exomes below 0.00001.
gnomAD v4.1: 1 of 1,613,922 alleles (0.000062%); highest among the groups gnomAD compares: Non-Finnish European, 0.000085%; no homozygotes.

Submission:

Labcorp Genetics (formerly Invitae), Labcorp
Classification: Pathogenic for Cohen syndrome. Last evaluated: 2023-07-21. Review status: criteria provided, single submitter. Criteria: Invitae Variant Classification Sherloc (09022015). Collection method: clinical testing. Allele origin: germline.
Comment: This sequence change creates a premature translational stop signal (p.Cys3449*) in the VPS13B gene. It is expected to result in an absent or disrupted protein product. Loss-of-function variants in VPS13B are known to be pathogenic (PMID: 15141358, 16648375, 20461111). For these reasons, this variant has been classified as Pathogenic. This variant has not been reported in the literature in individuals affected with VPS13B-related conditions. This variant is not present in population databases (gnomAD no frequency).

Literature cited by the submitters: PubMed 15141358; PubMed 16648375; PubMed 20461111.

NM_152564.5(VPS13B):c.10272T>A (p.Cys3424Ter)

Gene: VPS13B (vacuolar protein sorting 13 homolog B; plus strand). Cytogenetic location: 8q22.2.
Variant type: single nucleotide variant.
Coding change: c.10272T>A on transcript NM_152564.5 (MANE Select); coding-DNA position 10272, T replaced by A.
Protein change: p.Cys3424Ter; replaces cysteine 3424 with a stop codon.
Molecular consequence: nonsense.
Genome position (GRCh38, 1-based): chr8:99,853,661, T>A. VCF-style: chr8-99853661-T-A. GRCh37 (hg19) VCF-style: chr8-100865889-T-A.
Other names: c.10347T>A, p.Cys3449Ter (NM_017890.5); short protein forms C3424*, C3449*.
Identifiers: ClinVar variation 2745759 (VCV002745759.3), dbSNP rs2492237494, ClinGen allele CA371781264.
Genomic context (GRCh38, chr8:99,853,661, plus strand): 5'-CCTCCCTGGGGAAGAGCCTGTGGCTGCGTTGTTTGAACTTTACTGTGTGGAGATCTGCTG[T>A]GGGGACCTGCAGCTAGACAACCAGCTTTATAACAAGTCCAATTTCCACTTTGCTGTCTTA-3'